The following is an entry in ClinVar:

NM_015404.4(WHRN):c.1781T>C (p.Leu594Pro)

Gene: WHRN (whirlin; minus strand). Cytogenetic location: 9q32.
Variant type: single nucleotide variant.
Coding change: c.1781T>C on transcript NM_015404.4 (MANE Select); coding-DNA position 1781, T replaced by C.
Protein change: p.Leu594Pro; replaces leucine 594 with proline.
Molecular consequence: missense variant.
Genome position (GRCh38, 1-based): chr9:114,406,810, A>G on the plus strand (T>C on the coding strand, the complement: WHRN is on the minus strand). VCF-style: chr9-114406810-A-G. GRCh37 (hg19) VCF-style: chr9-117169090-A-G.
Other names: c.632T>C, p.Leu211Pro (NM_001083885.3); c.1781T>C, p.Leu594Pro (NM_001173425.2); c.728T>C, p.Leu243Pro (NM_001346890.1); short protein forms L211P, L243P, L594P.
Identifiers: ClinVar variation 1444083 (VCV001444083.8), dbSNP rs1589065297, ClinGen allele CA374620924.

ClinVar aggregate classification (germline): Uncertain significance (1 of 4 stars; one submission).

Submission:

Labcorp Genetics (formerly Invitae), Labcorp
Classification: Uncertain significance. Last evaluated: 2022-03-10. Review status: criteria provided, single submitter. Criteria: Invitae Variant Classification Sherloc (09022015). Collection method: clinical testing. Allele origin: germline.
Comment: In summary, the available evidence is currently insufficient to determine the role of this variant in disease. Therefore, it has been classified as a Variant of Uncertain Significance. Algorithms developed to predict the effect of missense changes on protein structure and function (SIFT, PolyPhen-2, Align-GVGD) all suggest that this variant is likely to be tolerated. This variant has not been reported in the literature in individuals affected with WHRN-related conditions. This variant is not present in population databases (gnomAD no frequency). This sequence change replaces leucine, which is neutral and non-polar, with proline, which is neutral and non-polar, at codon 594 of the WHRN protein (p.Leu594Pro).